The following is an entry in ClinVar:

ClinVar aggregate classification (germline): Uncertain significance. Review status: criteria provided, multiple submitters, no conflicts (2 of 4 stars). 2 submissions from 2 submitters: Uncertain significance (2). Last evaluated 2024-09-09.

gnomAD v4.1: 97 of 1,604,622 alleles (0.006%); highest among the groups gnomAD compares: Non-Finnish European, 0.0078%; no homozygotes.

Submissions (2):

Ambry Genetics
Classification: Uncertain significance. Last evaluated: 2024-09-09. Review status: criteria provided, single submitter. Criteria: Ambry Variant Classification Scheme 2023. Collection method: clinical testing. Allele origin: germline.

Labcorp Genetics (formerly Invitae), Labcorp
Classification: Uncertain significance. Last evaluated: 2024-06-02. Review status: criteria provided, single submitter. Criteria: Invitae Variant Classification Sherloc (09022015). Collection method: clinical testing. Allele origin: germline.
Comment: This sequence change replaces glutamic acid, which is acidic and polar, with glycine, which is neutral and non-polar, at codon 647 of the APPL1 protein (p.Glu647Gly). This variant is present in population databases (rs375301727, gnomAD 0.008%). This variant has not been reported in the literature in individuals affected with APPL1-related conditions. An algorithm developed to predict the effect of missense changes on protein structure and function (PolyPhen-2) suggests that this variant is likely to be tolerated. In summary, the available evidence is currently insufficient to determine the role of this variant in disease. Therefore, it has been classified as a Variant of Uncertain Significance.

NM_012096.3(APPL1):c.1940A>G (p.Glu647Gly)

Genes: APPL1 (adaptor protein, phosphotyrosine interacting with PH domain and leucine zipper 1; plus strand), ASB14 (ankyrin repeat and SOCS box containing 14; minus strand). Cytogenetic location: 3p14.3.
Variant type: single nucleotide variant.
Coding change: c.1940A>G on transcript NM_012096.3 (MANE Select); coding-DNA position 1940, A replaced by G.
Protein change: p.Glu647Gly; replaces glutamic acid 647 with glycine.
Molecular consequence: missense variant. On other transcripts: 3 prime UTR variant (2).
Genome position (GRCh38, 1-based): chr3:57,268,444, A>G. VCF-style: chr3-57268444-A-G. GRCh37 (hg19) VCF-style: chr3-57302472-A-G.
Other names: c.*1197T>C (NM_001142733.3, NM_130387.5); short protein forms E647G.
Identifiers: ClinVar variation 3418482 (VCV003418482.3).